The following is an entry in ClinVar:

ClinVar aggregate classification (germline): Uncertain significance (1 of 4 stars; one submission).

Conditions:
Progressive encephalopathy with leukodystrophy due to DECR deficiency. Identifiers: Orphanet 431361, MedGen C1857252, MONDO:0014464, OMIM 616034.

gnomAD v4.1: 1 of 1,613,650 alleles (0.000062%); highest among the groups gnomAD compares: East Asian, 0.0022%; no homozygotes.

Submission:

Labcorp Genetics (formerly Invitae), Labcorp
Classification: Uncertain significance for Progressive encephalopathy with leukodystrophy due to DECR deficiency. Last evaluated: 2025-08-03. Review status: criteria provided, single submitter. Criteria: Invitae Variant Classification Sherloc (09022015). Collection method: clinical testing. Allele origin: germline.
Comment: This sequence change replaces isoleucine, which is neutral and non-polar, with leucine, which is neutral and non-polar, at codon 424 of the NADK2 protein (p.Ile424Leu). This variant is present in population databases (no rsID available, gnomAD 0.006%). This variant has not been reported in the literature in individuals affected with NADK2-related conditions. Invitae Evidence Modeling of protein sequence and biophysical properties (such as structural, functional, and spatial information, amino acid conservation, physicochemical variation, residue mobility, and thermodynamic stability) indicates that this missense variant is not expected to disrupt NADK2 protein function with a negative predictive value of 80%. In summary, the available evidence is currently insufficient to determine the role of this variant in disease. Therefore, it has been classified as a Variant of Uncertain Significance.

NM_001085411.3(NADK2):c.1270A>C (p.Ile424Leu)

Gene: NADK2 (NAD kinase 2, mitochondrial; minus strand). Cytogenetic location: 5p13.2.
Variant type: single nucleotide variant.
Coding change: c.1270A>C on transcript NM_001085411.3 (MANE Select); coding-DNA position 1270, A replaced by C.
Protein change: p.Ile424Leu; replaces isoleucine 424 with leucine.
Molecular consequence: missense variant.
Genome position (GRCh38, 1-based): chr5:36,195,203, T>G on the plus strand (A>C on the coding strand, the complement: NADK2 is on the minus strand). VCF-style: chr5-36195203-T-G. GRCh37 (hg19) VCF-style: chr5-36195305-T-G.
Other names: c.781A>C, p.Ile261Leu (NM_001287340.2, NM_153013.5); c.847A>C, p.Ile283Leu (NM_001287341.2); short protein forms I283L, I424L, I261L.
Identifiers: ClinVar variation 4702355 (VCV004702355.1).